The following is an entry in ClinVar:

ClinVar aggregate classification (germline): Uncertain significance (1 of 4 stars; one submission).

Allele frequency attached by ClinVar (database versions not stated): TOPMed 0.00001.
gnomAD v4.1: 3 of 1,613,842 alleles (0.00019%); highest among the groups gnomAD compares: Non-Finnish European, 0.00025%; no homozygotes.

Submission:

Labcorp Genetics (formerly Invitae), Labcorp
Classification: Uncertain significance. Last evaluated: 2022-04-20. Review status: criteria provided, single submitter. Criteria: Invitae Variant Classification Sherloc (09022015). Collection method: clinical testing. Allele origin: germline.
Comment: This sequence change replaces isoleucine, which is neutral and non-polar, with threonine, which is neutral and polar, at codon 240 of the PLOD3 protein (p.Ile240Thr). This variant is not present in population databases (gnomAD no frequency). This variant has not been reported in the literature in individuals affected with PLOD3-related conditions. Algorithms developed to predict the effect of missense changes on protein structure and function (SIFT, PolyPhen-2, Align-GVGD) all suggest that this variant is likely to be tolerated. In summary, the available evidence is currently insufficient to determine the role of this variant in disease. Therefore, it has been classified as a Variant of Uncertain Significance.

NM_001084.5(PLOD3):c.719T>C (p.Ile240Thr)

Gene: PLOD3 (procollagen-lysine,2-oxoglutarate 5-dioxygenase 3; minus strand). Cytogenetic location: 7q22.1.
Variant type: single nucleotide variant.
Coding change: c.719T>C on transcript NM_001084.5 (MANE Select); coding-DNA position 719, T replaced by C.
Protein change: p.Ile240Thr; replaces isoleucine 240 with threonine.
Molecular consequence: missense variant.
Genome position (GRCh38, 1-based): chr7:101,213,165, A>G on the plus strand (T>C on the coding strand, the complement: PLOD3 is on the minus strand). VCF-style: chr7-101213165-A-G. GRCh37 (hg19) VCF-style: chr7-100856446-A-G.
Other names: short protein forms I240T.
Identifiers: ClinVar variation 2056242 (VCV002056242.4), dbSNP rs772738908, ClinGen allele CA368621596.